The following is an entry in ClinVar:

ClinVar aggregate classification (germline): Likely pathogenic. Review status: criteria provided, multiple submitters, no conflicts (2 of 4 stars). 3 submissions from 3 submitters: Likely pathogenic (3). Last evaluated 2024-06-21.

Conditions:
Stüve-Wiedemann syndrome 1. Also called: STUVE-WIEDEMANN/SCHWARTZ-JAMPEL TYPE 2 SYNDROME. Identifiers: Orphanet 3206, MedGen C5676888, MONDO:0800043, OMIM 601559.

Submissions (3):

Fulgent Genetics
Classification: Likely pathogenic for Stüve-Wiedemann syndrome 1. Last evaluated: 2024-06-21. Review status: criteria provided, single submitter. Criteria: ACMG Guidelines, 2015. Collection method: clinical testing. Allele origin: germline.

Labcorp Genetics (formerly Invitae), Labcorp
Classification: Likely pathogenic. Last evaluated: 2022-11-15. Review status: criteria provided, single submitter. Criteria: Invitae Variant Classification Sherloc (09022015). Collection method: clinical testing. Allele origin: germline.
Comment: In summary, the currently available evidence indicates that the variant is pathogenic, but additional data are needed to prove that conclusively. Therefore, this variant has been classified as Likely Pathogenic. Algorithms developed to predict the effect of sequence changes on RNA splicing suggest that this variant may disrupt the consensus splice site. ClinVar contains an entry for this variant (Variation ID: 191327). Disruption of this splice site has been observed in individual(s) with LIFR-related conditions (PMID: 29620724). This variant is not present in population databases (gnomAD no frequency). This sequence change affects a donor splice site in intron 8 of the LIFR gene. It is expected to disrupt RNA splicing. Variants that disrupt the donor or acceptor splice site typically lead to a loss of protein function (PMID: 16199547), and loss-of-function variants in LIFR are known to be pathogenic (PMID: 14740318).

Genomic Medicine Center of Excellence, King Faisal Specialist Hospital and Research Centre
Classification: Likely pathogenic. Review status: criteria provided, single submitter. Criteria: ACMG Guidelines, 2015. Collection method: research. Allele origin: germline. Affected: yes.

Literature cited by the submitters: PubMed 29620724 (cited by Labcorp Genetics (formerly Invitae), Labcorp); PubMed 16199547 (cited by Labcorp Genetics (formerly Invitae), Labcorp); PubMed 14740318 (cited by Labcorp Genetics (formerly Invitae), Labcorp).

NM_001127671.2(LIFR):c.1121+1G>A

Gene: LIFR (LIF receptor subunit alpha; minus strand). Cytogenetic location: 5p13.1.
Variant type: single nucleotide variant.
Coding change: c.1121+1G>A on transcript NM_001127671.2 (MANE Select); the canonical splice donor site of the intron after coding-DNA position 1121, G replaced by A.
Molecular consequence: splice donor variant.
Genome position (GRCh38, 1-based): chr5:38,506,502, C>T on the plus strand (G>A on the coding strand, the complement: LIFR is on the minus strand). VCF-style: chr5-38506502-C-T. GRCh37 (hg19) VCF-style: chr5-38506604-C-T.
Other names: c.1121+1G>A (NM_002310.6, NM_001364298.2, NM_001364297.2).
Identifiers: ClinVar variation 191327 (VCV000191327.9), dbSNP rs786205647, ClinGen allele CA236442.